The following is an entry in ClinVar:

NM_000245.4(MET):c.620_621delinsT (p.Pro207fs)

Gene: MET (MET proto-oncogene, receptor tyrosine kinase; plus strand). Cytogenetic location: 7q31.2.
Variant type: Indel.
Coding change: c.620_621delinsT on transcript NM_000245.4 (MANE Select); coding-DNA positions 620 to 621, CA replaced by T.
Protein change: p.Pro207fs; shifts the reading frame from proline 207.
Molecular consequence: frameshift variant. On other transcripts: intron variant (1).
Genome position (GRCh38, 1-based): chr7:116,699,704-116,699,705, CA replaced by T. VCF-style: chr7-116699704-CA-T. GRCh37 (hg19) VCF-style: chr7-116339758-CA-T.
Other names: c.620_621delinsT, p.Pro207fs (NM_001127500.3, NM_001324401.3); c.-91+27127_-91+27128delinsT (NM_001324402.2); short protein forms P207fs.
Identifiers: ClinVar variation 4106801 (VCV004106801.1).
Genomic context (GRCh38, chr7:116,699,704, plus strand): 5'-CTGTAAAGGACCGGTTCATCAACTTCTTTGTAGGCAATACCATAAATTCTTCTTATTTCC[CA>T]GATCATCCATTGCATTCGATATCAGTGAGAAGGCTAAAGGAAACGAAAGATGGTTTTATG-3'

ClinVar aggregate classification (germline): Uncertain significance (1 of 4 stars; one submission).

Conditions:
Hereditary cancer-predisposing syndrome. Also called: Tumor predisposition; Neoplastic Syndromes, Hereditary; Hereditary neoplastic syndrome; Hereditary Cancer Syndrome. Identifiers: Orphanet 140162, MedGen C0027672, MeSH D009386, MONDO:0015356.

Submission:

Ambry Genetics
Classification: Uncertain significance for Hereditary cancer-predisposing syndrome. Last evaluated: 2025-09-02. Review status: criteria provided, single submitter. Criteria: Ambry Variant Classification Scheme 2023. Collection method: clinical testing. Allele origin: germline.
Comment: The c.620_621delCAinsT variant, located in coding exon 1 of the MET gene, results from the deletion of two nucleotides and insertion of one nucleotide causing a translational frameshift with a predicted alternate stop codon (p.P207Lfs*10). This alteration is expected to result in loss of function by premature protein truncation or nonsense-mediated mRNA decay. However, loss of function of MET has not been established as a mechanism of disease. Based on the available evidence, the clinical significance of this alteration remains unclear.